The following is an entry in ClinVar:

NM_000551.4(VHL):c.341-8C>G

Genes: VHL (von Hippel-Lindau tumor suppressor; plus strand), LOC107303340 (3p25 von Hippel-Lindau tumor suppressor, E3 ubiquitin protein ligase Alu-mediated recombination region; plus strand). Cytogenetic location: 3p25.3.
Variant type: single nucleotide variant.
Coding change: c.341-8C>G on transcript NM_000551.4 (MANE Select); 8 bases into the intron before coding-DNA position 341, C replaced by G.
Molecular consequence: intron variant.
Genome position (GRCh38, 1-based): chr3:10,146,506, C>G. VCF-style: chr3-10146506-C-G. GRCh37 (hg19) VCF-style: chr3-10188190-C-G.
Other names: c.*18-3281C>G (NM_001354723.2); c.341-3281C>G (NM_198156.3).
Identifiers: ClinVar variation 526671 (VCV000526671.10), dbSNP rs1272767361, ClinGen allele CA658795339.

ClinVar aggregate classification (germline): Conflicting classifications of pathogenicity. Review status: criteria provided, conflicting classifications (1 of 4 stars). 2 submissions from 2 submitters: Uncertain significance (1); Likely benign (1). Last evaluated 2026-01-12.

Conditions:
Chuvash polycythemia. Also called: POLYCYTHEMIA, VHL-DEPENDENT. Identifiers: Orphanet 238557, MedGen C1837915, MONDO:0009892, OMIM 263400.
Von Hippel-Lindau syndrome (VHLS). Also called: von Hippel–Lindau syndrome; VHL syndrome; Von Hippel-Lindau. Identifiers: Orphanet 892, MedGen C0019562, MONDO:0008667, OMIM 193300. Disease mechanism: loss of function.

Allele frequency attached by ClinVar (database versions not stated): gnomAD exomes below 0.00001; TOPMed below 0.00001; gnomAD 0.00001.
gnomAD v4.1: 2 of 1,613,358 alleles (0.00012%); highest among the groups gnomAD compares: Non-Finnish European, 0.00017%; no homozygotes.

Submissions (2):

Labcorp Genetics (formerly Invitae), Labcorp
Classification: Uncertain significance for Von Hippel-Lindau syndrome; Chuvash polycythemia. Last evaluated: 2026-01-12. Review status: criteria provided, single submitter. Criteria: Invitae Variant Classification Sherloc (09022015). Collection method: clinical testing. Allele origin: germline.
Comment: This sequence change falls in intron 1 of the VHL gene. It does not directly change the encoded amino acid sequence of the VHL protein. This variant is not present in population databases (gnomAD no frequency). This variant has not been reported in the literature in individuals affected with VHL-related conditions. ClinVar contains an entry for this variant (Variation ID: 526671). Studies have shown that this variant is associated with inconclusive levels of altered splicing (internal data). In summary, the available evidence is currently insufficient to determine the role of this variant in disease. Therefore, it has been classified as a Variant of Uncertain Significance.

Color Diagnostics, LLC DBA Color Health
Classification: Likely benign for Von Hippel-Lindau syndrome. Last evaluated: 2025-06-12. Review status: criteria provided, single submitter. Criteria: ACMG Guidelines, 2015. Collection method: clinical testing. Allele origin: germline.